The following is an entry in ClinVar:

NM_000129.4(F13A1):c.27del (p.Phe9fs)

Gene: F13A1 (coagulation factor XIII A chain; minus strand). Cytogenetic location: 6p25.1.
Variant type: Deletion.
Coding change: c.27del on transcript NM_000129.4 (MANE Select); coding-DNA position 27, one base deleted (T; older notation c.27delT).
Protein change: p.Phe9fs; shifts the reading frame from phenylalanine 9.
Molecular consequence: frameshift variant.
Genome position (GRCh38, 1-based): chr6:6,318,638, A deleted on the plus strand (T on the coding strand, the reverse complement: F13A1 is on the minus strand); the first of 3 consecutive A bases (chr6:6,318,638-6,318,640); deleting any one gives the same sequence. VCF-style (leftmost placement, unchanged base first): chr6-6318637-CA-C. GRCh37 (hg19) VCF-style: chr6-6318870-CA-C.
Other names: p.Phe9Leufs*67; c.27delT (NM_000129.3); short protein forms F9fs.
Identifiers: ClinVar variation 1809752 (VCV001809752.5), dbSNP rs763797788, ClinGen allele CA3624798.

ClinVar aggregate classification (germline): Pathogenic. Review status: criteria provided, multiple submitters, no conflicts (2 of 4 stars). 4 submissions from 4 submitters: Pathogenic (4). Last evaluated 2026-01-28.

Conditions:
F13A1-related disorder. Also called: F13A1-related condition.
Factor XIII, A subunit, deficiency of. Also called: Factor XIII subunit A deficiency. Identifiers: Orphanet 331, MedGen C2750514, MONDO:0013187, OMIM 613225, HP:0040233.

Submissions (4):

PreventionGenetics, part of Exact Sciences
Classification: Pathogenic for F13A1-related condition. Last evaluated: 2026-01-28. Review status: criteria provided, single submitter. Criteria: ACMG Guidelines, 2015. Collection method: clinical testing. Allele origin: germline.
Comment: The F13A1 c.27delT variant is predicted to result in a frameshift and premature protein termination (p.Phe9Leufs*67). This variant has been reported in the homozygous and compound heterozygous states in individuals with Factor XIII deficiency (Mikkola et al. 1996. PubMed ID: 8547636; Maron et al. 2021. PubMed ID: 33587123; Table S8, Kingsmore et al. 2022. PubMed ID: 36007526; Ivaškevičius et al. 2017. PubMed ID: 28520207; Lim et al. 2022. PubMed ID: 36207057). This variant is reported in 0.0079% of alleles in individuals of European (Non-Finnish) descent in gnomAD. Frameshift variants in F13A1 are expected to be pathogenic. This variant is interpreted as pathogenic.

Mayo Clinic Laboratories, Mayo Clinic
Classification: Pathogenic. Last evaluated: 2025-10-17. Review status: criteria provided, single submitter. Criteria: ACMG Guidelines, 2015. Collection method: clinical testing. Allele origin: germline. Observed: 3 variant alleles.
Comment: PM2_moderate, PM3, PS3, PS4_very_strong, PVS1

Women's Health and Genetics/Laboratory Corporation of America, LabCorp
Classification: Pathogenic for Factor XIII, A subunit, deficiency of. Last evaluated: 2023-09-12. Review status: criteria provided, single submitter. Criteria: LabCorp Variant Classification Summary - May 2015. Collection method: clinical testing. Allele origin: germline.
Comment: Variant summary: F13A1 c.27delT (p.Phe9LeufsX67) results in a premature termination codon, predicted to cause a truncation of the encoded protein or absence of the protein due to nonsense mediated decay, which are commonly known mechanisms for disease. The variant allele was found at a frequency of 3.6e-05 in 251234 control chromosomes (gnomAD). The variant, c.27delT, has been reported in the literature in multiple homozygous- and compound heterozygous individuals affected with Factor XIIIA Deficiency (e.g. Mikkola_1996, Ivaskevicius_2017, Maron_2021). These data indicate that the variant is very likely to be associated with disease. At least one publication reported that mRNA level of FXlll A-subunit was drastically reduced in patient derived samples (Mikkola_1996), likely due to nonsense mediated decay. The following publications have been ascertained in the context of this evaluation (PMID: 8547636, 28520207, 33587123). One submitter has cited clinical-significance assessments for this variant to ClinVar after 2014 and has classified the variant as pathogenic. Based on the evidence outlined above, the variant was classified as pathogenic.

Athena Diagnostics
Classification: Pathogenic. Last evaluated: 2019-09-11. Review status: criteria provided, single submitter. Criteria: Athena Diagnostics Criteria. Collection method: clinical testing. Allele origin: unknown.
Comment: This variant is expected to result in the loss of a functional protein. The frequency of this variant in the general population is consistent with pathogenicity. This variant has been identified in multiple individuals with clinical features associated with this gene (PMID: 8547636, 28520207).This observation is not an independent occurrence and has been identified in the same individual by RCIGM, the other laboratory participating in the GEMINI study.

Literature cited by the submitters: PubMed 28520207 (cited by Mayo Clinic Laboratories, Mayo Clinic and Women's Health and Genetics/Laboratory Corporation of America, LabCorp); PubMed 33587123 (cited by Mayo Clinic Laboratories, Mayo Clinic and Women's Health and Genetics/Laboratory Corporation of America, LabCorp); PubMed 36007526 (cited by Mayo Clinic Laboratories, Mayo Clinic); PubMed 8547636 (cited by Mayo Clinic Laboratories, Mayo Clinic and Women's Health and Genetics/Laboratory Corporation of America, LabCorp).